The following is an entry in ClinVar:

NM_001378328.1(CELSR1):c.4668G>A (p.Val1556=)

Gene: CELSR1 (cadherin EGF LAG seven-pass G-type receptor 1; minus strand). Cytogenetic location: 22q13.31.
Variant type: single nucleotide variant.
Coding change: c.4668G>A on transcript NM_001378328.1 (MANE Select); coding-DNA position 4668, G replaced by A.
Protein change: p.Val1556=; no amino-acid change (valine 1556 retained).
Molecular consequence: synonymous variant.
Genome position (GRCh38, 1-based): chr22:46,411,703, C>T on the plus strand (G>A on the coding strand, the complement: CELSR1 is on the minus strand). VCF-style: chr22-46411703-C-T. GRCh37 (hg19) VCF-style: chr22-46807600-C-T.
Other names: c.4668G>A, p.Val1556= (NM_014246.4).
Identifiers: ClinVar variation 3044371 (VCV003044371.2), dbSNP rs555630417, ClinGen allele CA10294559.

ClinVar aggregate classification (germline): Likely benign (0 of 4 stars; one submission).

Conditions:
CELSR1-related disorder. Also called: CELSR1-related condition.

Allele frequency attached by ClinVar (database versions not stated): ExAC 0.00001; gnomAD 0.00004; TOPMed 0.00005.
gnomAD v4.1: 40 of 1,614,114 alleles (0.0025%); highest among the groups gnomAD compares: Non-Finnish European, 0.0031%; no homozygotes.

Submission:

PreventionGenetics, part of Exact Sciences
Classification: Likely benign for CELSR1-related condition. Last evaluated: 2019-05-28. Review status: no assertion criteria provided. Collection method: clinical testing. Allele origin: germline.
Comment: This variant is classified as likely benign based on ACMG/AMP sequence variant interpretation guidelines (Richards et al. 2015 PMID: 25741868, with internal and published modifications).